The following is an entry in ClinVar:

ClinVar aggregate classification (germline): Pathogenic. Review status: criteria provided, multiple submitters, no conflicts (2 of 4 stars). 4 submissions from 4 submitters: Pathogenic (4). Last evaluated 2026-05-27.

Conditions:
CYP21A2-related disorder. Also called: CYP21A2-related condition.
Congenital adrenal hyperplasia. Identifiers: Orphanet 418, MedGen C0001627, MONDO:0018479, HP:0008258.

Submissions (4):

PreventionGenetics, part of Exact Sciences
Classification: Pathogenic for CYP21A2-related condition. Last evaluated: 2026-05-27. Review status: criteria provided, single submitter. Criteria: ACMG Guidelines, 2015. Collection method: clinical testing. Allele origin: germline.
Comment: The CYP21A2 c.1451G>A variant is predicted to result in the amino acid substitution p.Arg484Gln. This variant is alternatively referred to as p.Arg483Gln (R483Q) using legacy nomenclature. It has been reported in the compound heterozygous state with an allele/variant associated with salt-wasting (SW) congenital adrenal hyperplasia (CAH) in individuals with non-classic (NC) or simple-virilizing (SV) CAH (see for example, NC-CAH in Stikkelbroek et al. 2003. PubMed ID: 12915679; NC-CAH in Xu et al. 2019. PubMed ID: 30968594; SV-CAH in Robins et al. 2006. PubMed ID: 17119906; SV-CAH in Concolino and Paragliola. 2021. PubMed ID: 33710594; SV-CAH in Wan et al. 2022. PubMed ID: 36167262). In vitro enzyme assays showed that the residual activity resulting from this variant is within the typical range for missense variants associated with SV-CAH (Robins et al. 2006. PubMed ID: 17119906; Ono et al. 2008. PubMed ID: 24790362). This variant is reported in 0.0034% of alleles in individuals of South Asian descent in gnomAD. This variant falls within a highly paralogous region. Allele frequency data should be interpreted with caution. This variant is interpreted as pathogenic.

Women's Health and Genetics/Laboratory Corporation of America, LabCorp
Classification: Pathogenic for Congenital adrenal hyperplasia. Last evaluated: 2025-06-19. Review status: criteria provided, single submitter. Criteria: LabCorp Variant Classification Summary - May 2015. Collection method: clinical testing. Allele origin: germline.
Comment: Variant summary: CYP21A2 c.1451G>A (p.Arg484Gln) results in a conservative amino acid change in the encoded protein sequence. Algorithms developed to predict the effect of missense changes on protein structure and function are either unavailable or do not agree on the potential impact of this missense change. The variant allele was found at a frequency of 8.8e-06 in 227246 control chromosomes. c.1451G>A has been observed in individual(s) affected with Congenital Adrenal Hyperplasia (example: Stikkelbroeck_2003, Concolino_2021, Gao_2021, Wan_2023). These data indicate that the variant is likely to be associated with disease. A different variant affecting the same codon has been classified as likely pathogenic by our lab (c.1450C>T, p.Arg484Trp), supporting the critical relevance of codon 484 to CYP21A2 protein function. The following publications have been ascertained in the context of this evaluation (PMID: 12915679, 36167262, 33710594, 33301636). ClinVar contains an entry for this variant (Variation ID: 585750). Based on the evidence outlined above, the variant was classified as pathogenic.

Athena Diagnostics
Classification: Pathogenic. Last evaluated: 2024-11-07. Review status: criteria provided, single submitter. Criteria: Athena Diagnostics Criteria. Collection method: clinical testing. Allele origin: unknown.
Comment: This variant is located in a genomic region of low or unreliable sequencing quality, and therefore estimations of its population frequency are uninformative in assessment of variant pathogenicity. Assessment of experimental evidence suggests this variant results in abnormal protein function. (PMID: 17119906, 24790362) In multiple individuals, this variant has been seen with a single recessive pathogenic variant in the same gene, suggesting this variant may also be pathogenic. At least one other missense variant at this codon is considered to be pathogenic or likely pathogenic, suggesting this variant may also cause disease.

Quest Diagnostics Nichols Institute San Juan Capistrano
Classification: Pathogenic. Last evaluated: 2015-08-25. Review status: criteria provided, single submitter. Criteria: Quest Diagnostics criteria. Collection method: clinical testing. Allele origin: unknown.
Comment: The CYP21A2 c.1451G>A (p.Arg484Gln) variant (also known as R484Q and R483Q) has been reported in the published literature in several individuals affected with 21 hydroxylase deficiency (PMIDs: 33864926 (2021), 30048636 (2018), 24667412 (2014), 24790362 (2008)) with either a simple virilizing (PMIDs: 32289882 (2020), 17119906 (2007)) or a nonclassic (PMIDs: 30968594 (2019), 19208730 (2009), 12915679 (2003)) phenotype. Functional studies show the variant has severely reduced activity, 1.1-1.89% activity for17-OHP and 2-3.8% activity for progesterone, compared to the wild-type (PMIDs: 24790362 (2008), 17119906 (2007)). The frequency of this variant in the general population, 0.0000088 (2/227246 chromosomes (Genome Aggregation Database)), is uninformative in the assessment of its pathogenicity. Based on the available information, this variant is classified as pathogenic.

Literature cited by the submitters: PubMed 12915679 (cited by 3 submitters); PubMed 36167262 (cited by Women's Health and Genetics/Laboratory Corporation of America, LabCorp); PubMed 33710594 (cited by Women's Health and Genetics/Laboratory Corporation of America, LabCorp); PubMed 33301636 (cited by Women's Health and Genetics/Laboratory Corporation of America, LabCorp); PubMed 30968594 (cited by Athena Diagnostics and Quest Diagnostics Nichols Institute San Juan Capistrano); PubMed 32289882 (cited by Athena Diagnostics and Quest Diagnostics Nichols Institute San Juan Capistrano); PubMed 33864926 (cited by Athena Diagnostics and Quest Diagnostics Nichols Institute San Juan Capistrano); PubMed 30048636 (cited by Athena Diagnostics and Quest Diagnostics Nichols Institute San Juan Capistrano); PubMed 23359706 (cited by Athena Diagnostics and Quest Diagnostics Nichols Institute San Juan Capistrano); PubMed 24667412 (cited by Athena Diagnostics and Quest Diagnostics Nichols Institute San Juan Capistrano); PubMed 24790362 (cited by Athena Diagnostics and Quest Diagnostics Nichols Institute San Juan Capistrano); PubMed 17119906 (cited by Athena Diagnostics and Quest Diagnostics Nichols Institute San Juan Capistrano); PubMed 19208730 (cited by Athena Diagnostics and Quest Diagnostics Nichols Institute San Juan Capistrano).

NM_000500.9(CYP21A2):c.1451G>A (p.Arg484Gln)

Genes: CYP21A2 (cytochrome P450 family 21 subfamily A member 2; plus strand), LOC106780800 (CYP21A2 recombination region; plus strand). Cytogenetic location: 6p21.33.
Variant type: single nucleotide variant.
Coding change: c.1451G>A on transcript NM_000500.9 (MANE Select); coding-DNA position 1451, G replaced by A.
Protein change: p.Arg484Gln; replaces arginine 484 with glutamine.
Molecular consequence: missense variant.
Genome position (GRCh38, 1-based): chr6:32,041,097, G>A. VCF-style: chr6-32041097-G-A. GRCh37 (hg19) VCF-style: chr6-32008874-G-A.
Other names: c.1361G>A, p.Arg454Gln (NM_001128590.4); c.1046G>A, p.Arg349Gln (NM_001368143.2, NM_001368144.2); short protein forms R484Q, R454Q, R349Q.
Identifiers: ClinVar variation 585750 (VCV000585750.6), dbSNP rs200005406, ClinGen allele CA3732733.
Genomic context (GRCh38, chr6:32,041,097, plus strand): 5'-CCCTGCCCCACTGCAGTGTCATCCTCAAGATGCAGCCTTTCCAAGTGCGGCTGCAGCCCC[G>A]GGGGATGGGGGCCCACAGCCCGGGCCAGAGCCAGTGATGGGGCAGGACCGATGCCAGCCG-3'
Protein context (NP_000491.4, residues 474-494): MQPFQVRLQP[Arg484Gln]GMGAHSPGQS